The following is an entry in ClinVar:

NM_006922.4(SCN3A):c.2017G>T (p.Glu673Ter)

Gene: SCN3A (sodium voltage-gated channel alpha subunit 3; minus strand). Cytogenetic location: 2q24.3.
Variant type: single nucleotide variant.
Coding change: c.2017G>T on transcript NM_006922.4 (MANE Select); coding-DNA position 2017, G replaced by T.
Protein change: p.Glu673Ter; replaces glutamic acid 673 with a stop codon.
Molecular consequence: nonsense. On other transcripts: intron variant (2).
Genome position (GRCh38, 1-based): chr2:165,140,653, C>A on the plus strand (G>T on the coding strand, the complement: SCN3A is on the minus strand). VCF-style: chr2-165140653-C-A. GRCh37 (hg19) VCF-style: chr2-165997163-C-A.
Other names: c.1872+145G>T (NM_001081676.2, NM_001081677.2); short protein forms E673*.
Identifiers: ClinVar variation 1802268 (VCV001802268.4), dbSNP rs1553527930, ClinGen allele CA349046098.
Genomic context (GRCh38, chr2:165,140,653, plus strand): 5'-CTTTGATTATTTCAAATTGGTGAATAATGTCAGTAGCAGCTAGGTCATCTATTATCACCT[C>A]TGGGGGAAGTTGTCCAGTAGGTGACGTTAGAGCTGAAGGTCCACCCACCAAGGAAACCAC-3'

ClinVar aggregate classification (germline): Pathogenic/Likely pathogenic. Review status: criteria provided, multiple submitters, no conflicts (2 of 4 stars). 2 submissions from 2 submitters: Pathogenic (1); Likely pathogenic (1). Last evaluated 2025-08-21.

Conditions:
Autosomal dominant SCN3A-related disorders.
Epilepsy, familial focal, with variable foci 4 (FFEVF4). Identifiers: MedGen C4693694, MONDO:0054776, OMIM 617935.
Developmental and epileptic encephalopathy, 62. Also called: Early infantile epileptic encephalopathy 62. Identifiers: MedGen C4693699, MONDO:0033371, OMIM 617938.

Allele frequency attached by ClinVar (database versions not stated): gnomAD exomes below 0.00001.
gnomAD v4.1: 1 of 1,613,106 alleles (0.000062%); highest among the groups gnomAD compares: South Asian, 0.0011%; no homozygotes.

Submissions (2):

Variantyx, Inc.
Classification: Likely pathogenic for Autosomal dominant SCN3A-related disorders. Last evaluated: 2025-08-21. Review status: criteria provided, single submitter. Criteria: Variantyx Assertion Criteria 2022. Collection method: clinical testing. Allele origin: germline. Inheritance: Autosomal recessive inheritance. Affected: yes.
Comment: This is a nonsense variant in the SCN3A gene (OMIM: 182391). Pathogenic variants in this gene have been associated with autosomal dominant SCN3A-related disorders. This variant introduces a premature termination codon in exon 13 out of 28and is expected to result in loss of function, which is a known disease mechanism for SCN3A in this disorder (PMID:28235671) (PVS1). This variant has a 0.0061% maximum allele frequency in non-founder control populations (PM2). Based on the current evidence, this variant is classified as likely pathogenic for autosomal dominant SCN3A-related disorders. Inheritance from an unaffected parent or a parent with unknown affected status has been reported, consistent with incomplete penetrance (PMID: 18242854).

Diagnostics Services (NGS), CSIR - Centre For Cellular And Molecular Biology
Classification: Pathogenic for Epilepsy, familial focal, with variable foci 4; Developmental and epileptic encephalopathy, 62. Last evaluated: 2022-11-04. Review status: criteria provided, single submitter. Criteria: ACMG Guidelines, 2015. Collection method: clinical testing. Allele origin: unknown. Affected: yes. Observed: 1 variant allele, 1 heterozygote.
Comment: The c.2017G>T variant is not present in publicly available population databases like 1000 Genomes, EVS, ExAC, gnomAD, Indian Exome Database or our in-house exome database. This variant has neither been published nor reported to clinical databases like ClinVar, Human Genome Mutation Database (HGMD) or OMIM, in any affected individuals. In-silico pathogenicity prediction programs like MutationTaster2, CADD, Varsome, Franklin, InterVar etc. predicted this variant to be likely deleterious. The variant creates a premature translational stop codon at the 673rd amino acid position of the original transcript, which may either result in translation of a truncated protein or cause nonsense mediated decay of the mRNA.

Literature cited by the submitters: PubMed 28235671 (cited by Variantyx, Inc.); PubMed 18242854 (cited by Variantyx, Inc.).